The following is an entry in ClinVar:

ClinVar aggregate classification (germline): Uncertain significance (1 of 4 stars; one submission).

Conditions:
Cryopyrin associated periodic syndrome (CAPS). Identifiers: Orphanet 208650, MedGen C2316212, MONDO:0016168.

Allele frequency attached by ClinVar (database versions not stated): gnomAD exomes below 0.00001.
gnomAD v4.1: 4 of 1,614,170 alleles (0.00025%); highest among the groups gnomAD compares: South Asian, 0.0011%; no homozygotes.

Submission:

Labcorp Genetics (formerly Invitae), Labcorp
Classification: Uncertain significance for Cryopyrin associated periodic syndrome. Last evaluated: 2023-08-05. Review status: criteria provided, single submitter. Criteria: Invitae Variant Classification Sherloc (09022015). Collection method: clinical testing. Allele origin: germline.
Comment: In summary, the available evidence is currently insufficient to determine the role of this variant in disease. Therefore, it has been classified as a Variant of Uncertain Significance. Advanced modeling of protein sequence and biophysical properties (such as structural, functional, and spatial information, amino acid conservation, physicochemical variation, residue mobility, and thermodynamic stability) performed at Invitae indicates that this missense variant is expected to disrupt NLRP3 protein function. This variant has not been reported in the literature in individuals affected with NLRP3-related conditions. This variant is present in population databases (no rsID available, gnomAD 0.003%). This sequence change replaces glutamic acid, which is acidic and polar, with lysine, which is basic and polar, at codon 515 of the NLRP3 protein (p.Glu515Lys).

NM_001243133.2(NLRP3):c.1537G>A (p.Glu513Lys)

Gene: NLRP3 (NLR family pyrin domain containing 3; plus strand). Cytogenetic location: 1q44.
Variant type: single nucleotide variant.
Coding change: c.1537G>A on transcript NM_001243133.2 (MANE Select); coding-DNA position 1537, G replaced by A.
Protein change: p.Glu513Lys; replaces glutamic acid 513 with lysine.
Molecular consequence: missense variant.
Genome position (GRCh38, 1-based): chr1:247,424,986, G>A. VCF-style: chr1-247424986-G-A. GRCh37 (hg19) VCF-style: chr1-247588288-G-A.
Other names: c.1543G>A, p.Glu515Lys (NM_004895.5); c.1537G>A, p.Glu513Lys (NM_183395.3, NM_001079821.3, NM_001127461.3 and 1 more transcripts); short protein forms E513K, E515K.
Identifiers: ClinVar variation 2779275 (VCV002779275.3), dbSNP rs1298944048, ClinGen allele CA345557113.
Genomic context (GRCh38, chr1:247,424,986, plus strand): 5'-CAGAAGGCGGATGTGTCTGCTTTCCTGAGGATGAACCTGTTCCAAAAGGAAGTGGACTGC[G>A]AGAAGTTCTACAGCTTCATCCACATGACTTTCCAGGAGTTCTTTGCCGCCATGTACTACC-3'
Protein context (NP_001230062.1, residues 503-523): MNLFQKEVDC[Glu513Lys]KFYSFIHMTF